The following is an entry in ClinVar:

ClinVar aggregate classification (germline): Uncertain significance (1 of 4 stars; one submission).

Conditions:
Early-infantile DEE. Also called: Ohtahara syndrome; Early infantile epileptic encephalopathy with suppression bursts; Early infantile epileptic encephalopathy. Identifiers: Orphanet 1934, MedGen C0393706, MONDO:0800491.

Allele frequency attached by ClinVar (database versions not stated): gnomAD 0.00001; TOPMed 0.00002; gnomAD exomes 0.00006 and 0.00008; ExAC 0.00012.
gnomAD v4.1: 57 of 1,612,882 alleles (0.0035%); highest among the groups gnomAD compares: Admixed American, 0.0067%; no homozygotes.

Submission:

Labcorp Genetics (formerly Invitae), Labcorp
Classification: Uncertain significance for Early-infantile DEE. Last evaluated: 2025-07-13. Review status: criteria provided, single submitter. Criteria: Invitae Variant Classification Sherloc (09022015). Collection method: clinical testing. Allele origin: germline.
Comment: This sequence change falls in intron 4 of the ARHGEF15 gene. It does not directly change the encoded amino acid sequence of the ARHGEF15 protein. It affects a nucleotide within the consensus splice site. This variant is present in population databases (rs773497449, gnomAD 0.01%). This variant has not been reported in the literature in individuals affected with ARHGEF15-related conditions. ClinVar contains an entry for this variant (Variation ID: 1061262). Variants that disrupt the consensus splice site are a relatively common cause of aberrant splicing (PMID: 17576681, 9536098). Algorithms developed to predict the effect of sequence changes on RNA splicing suggest that this variant is not likely to affect RNA splicing. In summary, the available evidence is currently insufficient to determine the role of this variant in disease. Therefore, it has been classified as a Variant of Uncertain Significance.

Literature cited by the submitters: PubMed 17576681; PubMed 9536098.

NM_173728.4(ARHGEF15):c.989+5T>C

Gene: ARHGEF15 (Rho guanine nucleotide exchange factor 15; plus strand). Cytogenetic location: 17p13.1.
Variant type: single nucleotide variant.
Coding change: c.989+5T>C on transcript NM_173728.4 (MANE Select); 5 bases into the intron after coding-DNA position 989, T replaced by C.
Molecular consequence: intron variant.
Genome position (GRCh38, 1-based): chr17:8,313,560, T>C. VCF-style: chr17-8313560-T-C. GRCh37 (hg19) VCF-style: chr17-8216878-T-C.
Other names: c.989+5T>C (NM_025014.2).
Identifiers: ClinVar variation 1061262 (VCV001061262.8), dbSNP rs773497449, ClinGen allele CA8375053.